The following is an entry in ClinVar:

NM_000245.4(MET):c.1066C>A (p.Pro356Thr)

Gene: MET (MET proto-oncogene, receptor tyrosine kinase; plus strand). Cytogenetic location: 7q31.2.
Variant type: single nucleotide variant.
Coding change: c.1066C>A on transcript NM_000245.4 (MANE Select); coding-DNA position 1066, C replaced by A.
Protein change: p.Pro356Thr; replaces proline 356 with threonine.
Molecular consequence: missense variant. On other transcripts: intron variant (1).
Genome position (GRCh38, 1-based): chr7:116,700,150, C>A. VCF-style: chr7-116700150-C-A. GRCh37 (hg19) VCF-style: chr7-116340204-C-A.
Other names: c.1066C>A, p.Pro356Thr (NM_001127500.3, NM_001324401.3); c.-91+27573C>A (NM_001324402.2); short protein forms P356T.
Identifiers: ClinVar variation 1781839 (VCV001781839.5), dbSNP rs2116604644, ClinGen allele CA368970464.

ClinVar aggregate classification (germline): Uncertain significance. Review status: criteria provided, multiple submitters, no conflicts (2 of 4 stars). 2 submissions from 2 submitters: Uncertain significance (2). Last evaluated 2023-05-23.

Conditions:
Renal cell carcinoma. Identifiers: Orphanet 217071, MedGen C0007134, MeSH D002292, MONDO:0005086, HP:0005584.
Hereditary cancer-predisposing syndrome. Also called: Neoplastic Syndromes, Hereditary; Tumor predisposition; Hereditary Cancer Syndrome; Hereditary neoplastic syndrome. Identifiers: Orphanet 140162, MedGen C0027672, MeSH D009386, MONDO:0015356.

Submissions (2):

Labcorp Genetics (formerly Invitae), Labcorp
Classification: Uncertain significance for Renal cell carcinoma. Last evaluated: 2023-05-23. Review status: criteria provided, single submitter. Criteria: Invitae Variant Classification Sherloc (09022015). Collection method: clinical testing. Allele origin: germline.
Comment: In summary, the available evidence is currently insufficient to determine the role of this variant in disease. Therefore, it has been classified as a Variant of Uncertain Significance. Advanced modeling of protein sequence and biophysical properties (such as structural, functional, and spatial information, amino acid conservation, physicochemical variation, residue mobility, and thermodynamic stability) performed at Invitae indicates that this missense variant is not expected to disrupt MET protein function. ClinVar contains an entry for this variant (Variation ID: 1781839). This variant has not been reported in the literature in individuals affected with MET-related conditions. This variant is not present in population databases (gnomAD no frequency). This sequence change replaces proline, which is neutral and non-polar, with threonine, which is neutral and polar, at codon 356 of the MET protein (p.Pro356Thr).

Ambry Genetics
Classification: Uncertain significance for Hereditary cancer-predisposing syndrome. Last evaluated: 2022-03-03. Review status: criteria provided, single submitter. Criteria: Ambry Variant Classification Scheme 2023. Collection method: clinical testing. Allele origin: germline.
Comment: The p.P356T variant (also known as c.1066C>A), located in coding exon 1 of the MET gene, results from a C to A substitution at nucleotide position 1066. The proline at codon 356 is replaced by threonine, an amino acid with highly similar properties. This amino acid position is conserved. In addition, this alteration is predicted to be tolerated by in silico analysis. Since supporting evidence is limited at this time, the clinical significance of this alteration remains unclear.